The following is an entry in ClinVar:

ClinVar aggregate classification (germline): Benign/Likely benign. Review status: criteria provided, multiple submitters, no conflicts (2 of 4 stars). 2 submissions from 2 submitters: Benign (1); Likely benign (1). Last evaluated 2025-05-13.

Conditions:
Tuberous sclerosis 2 (TSC2). Identifiers: Orphanet 805, MedGen C1860707, MONDO:0013199, OMIM 613254.

Submissions (2):

Myriad Genetics, Inc.
Classification: Benign for Tuberous sclerosis 2. Last evaluated: 2025-05-13. Review status: criteria provided, single submitter. Criteria: Myriad Autosomal Dominant, Autosomal Recessive and X-Linked Classification Criteria (2023). Collection method: clinical testing. Allele origin: unknown.
Comment: This variant is considered benign. This variant is a silent/synonymous amino acid change and it is not expected to impact splicing.

Labcorp Genetics (formerly Invitae), Labcorp
Classification: Likely benign for Tuberous sclerosis 2. Last evaluated: 2022-10-13. Review status: criteria provided, single submitter. Criteria: Invitae Variant Classification Sherloc (09022015). Collection method: clinical testing. Allele origin: germline.

NM_000548.5(TSC2):c.1215G>A (p.Glu405=)

Gene: TSC2 (TSC complex subunit 2; plus strand). Cytogenetic location: 16p13.3.
Variant type: single nucleotide variant.
Coding change: c.1215G>A on transcript NM_000548.5 (MANE Select); coding-DNA position 1215, G replaced by A.
Protein change: p.Glu405=; no amino-acid change (glutamic acid 405 retained).
Molecular consequence: synonymous variant.
Genome position (GRCh38, 1-based): chr16:2,061,966, G>A. VCF-style: chr16-2061966-G-A. GRCh37 (hg19) VCF-style: chr16-2111967-G-A.
Other names: c.1215G>A, p.Glu405= (NM_001077183.3, NM_001114382.3, NM_001363528.2 and 3 more transcripts); c.1104G>A, p.Glu368= (NM_001318827.2); c.1068G>A, p.Glu356= (NM_001318829.2); c.615G>A, p.Glu205= (NM_001318831.2); c.1248G>A, p.Glu416= (NM_001318832.2).
Identifiers: ClinVar variation 1135185 (VCV001135185.10), dbSNP rs2151156348, ClinGen allele CA492961993.
Genomic context (GRCh38, chr16:2,061,966, plus strand): 5'-TGACCTGTTGACCACGGTGGAGGAGCTGTGTGACCAGAACGAGTTCCACGGGTCTCAGGA[G>A]AGATACTTTGAACTGGTGGAGAGATGTGCGGACCAGAGGCCTGTGAGACCCCCTCCTGGG-3'
Protein context (NP_000539.2, residues 395-415): CDQNEFHGSQ[Glu405=]RYFELVERCA